The following is an entry in ClinVar:

NM_022915.5(MRPL44):c.885G>A (p.Glu295=)

Gene: MRPL44 (mitochondrial ribosomal protein L44; plus strand). Cytogenetic location: 2q36.1.
Variant type: single nucleotide variant.
Coding change: c.885G>A on transcript NM_022915.5 (MANE Select); coding-DNA position 885, G replaced by A.
Protein change: p.Glu295=; no amino-acid change (glutamic acid 295 retained).
Molecular consequence: synonymous variant.
Genome position (GRCh38, 1-based): chr2:223,966,920, G>A. VCF-style: chr2-223966920-G-A. GRCh37 (hg19) VCF-style: chr2-224831637-G-A.
Identifiers: ClinVar variation 667533 (VCV000667533.1), dbSNP rs1574797542, ClinGen allele CA431477845.

ClinVar aggregate classification (germline): Likely benign (1 of 4 stars; one submission).

Submission:

GeneDx
Classification: Likely benign. Last evaluated: 2018-05-14. Review status: criteria provided, single submitter. Criteria: GeneDx Variant Classification (06012015). Collection method: clinical testing. Allele origin: germline. Affected: yes.
Comment: This variant is considered likely benign or benign based on one or more of the following criteria: it is a conservative change, it occurs at a poorly conserved position in the protein, it is predicted to be benign by multiple in silico algorithms, and/or has population frequency not consistent with disease.